The following is an entry in ClinVar:

ClinVar aggregate classification (germline): Uncertain significance (1 of 4 stars; one submission).

Submission:

Labcorp Genetics (formerly Invitae), Labcorp
Classification: Uncertain significance. Last evaluated: 2022-10-07. Review status: criteria provided, single submitter. Criteria: Invitae Variant Classification Sherloc (09022015). Collection method: clinical testing. Allele origin: germline.
Comment: This sequence change replaces cysteine, which is neutral and slightly polar, with phenylalanine, which is neutral and non-polar, at codon 400 of the P4HB protein (p.Cys400Phe). In summary, the available evidence is currently insufficient to determine the role of this variant in disease. Therefore, it has been classified as a Variant of Uncertain Significance. This variant disrupts the p.Cys400 amino acid residue in P4HB. Other variant(s) that disrupt this residue have been determined to be pathogenic (PMID: 31130284). This suggests that this residue is clinically significant, and that variants that disrupt this residue are likely to be disease-causing. Advanced modeling of protein sequence and biophysical properties (such as structural, functional, and spatial information, amino acid conservation, physicochemical variation, residue mobility, and thermodynamic stability) performed at Invitae indicates that this missense variant is expected to disrupt P4HB protein function. ClinVar contains an entry for this variant (Variation ID: 1379119). This variant has not been reported in the literature in individuals affected with P4HB-related conditions. This variant is not present in population databases (gnomAD no frequency).

Literature cited by the submitters: PubMed 31130284.

NM_000918.4(P4HB):c.1199G>T (p.Cys400Phe)

Gene: P4HB (prolyl 4-hydroxylase subunit beta; minus strand). Cytogenetic location: 17q25.3.
Variant type: single nucleotide variant.
Coding change: c.1199G>T on transcript NM_000918.4 (MANE Select); coding-DNA position 1199, G replaced by T.
Protein change: p.Cys400Phe; replaces cysteine 400 with phenylalanine.
Molecular consequence: missense variant.
Genome position (GRCh38, 1-based): chr17:81,845,721, C>A on the plus strand (G>T on the coding strand, the complement: P4HB is on the minus strand). VCF-style: chr17-81845721-C-A. GRCh37 (hg19) VCF-style: chr17-79803597-C-A.
Other names: short protein forms C400F.
Identifiers: ClinVar variation 1379119 (VCV001379119.6), dbSNP rs1064797228, ClinGen allele CA401506939.